The following is an entry in ClinVar:

NM_001903.5(CTNNA1):c.2193-3_2193dup

Gene: CTNNA1 (catenin alpha 1; plus strand). Cytogenetic location: 5q31.2.
Variant type: Duplication.
Coding change: c.2193-3_2193dup on transcript NM_001903.5 (MANE Select); 3 bases into the intron before coding-DNA position 2193 through coding-DNA position 2193, 4 bases duplicated (CAGA; older notation c.2193-3_2193dupCAGA).
Molecular consequence: splice acceptor variant.
Genome position (GRCh38, 1-based): chr5:138,930,827-138,930,830, CAGA duplicated. VCF-style (leftmost placement, unchanged base first): chr5-138930826-T-TCAGA. GRCh37 (hg19) VCF-style: chr5-138266515-T-TCAGA.
Other names: c.2193-3_2193dup (NM_001323982.2, NM_001323984.2, NM_001290307.3 and 2 more transcripts); c.2100-3_2100dup (NM_001323986.2); c.1824-3_1824dup (NM_001290310.3); c.1884-3_1884dup (NM_001290309.3); c.1083-3_1083dup (NM_001323996.1, NM_001323993.1, NM_001324005.1 and 17 more transcripts); c.744-3_744dup (NM_001324007.1, NM_001324009.1, NM_001324006.1 and 2 more transcripts); c.840-3_840dup (NM_001324013.1, NM_001324012.1); c.990-3_990dup (NM_001324011.1).
Identifiers: ClinVar variation 665400 (VCV000665400.6), dbSNP rs1580911062, ClinGen allele CA915942577.

ClinVar aggregate classification (germline): Uncertain significance (1 of 4 stars; one submission).

Submission:

Labcorp Genetics (formerly Invitae), Labcorp
Classification: Uncertain significance. Last evaluated: 2025-07-16. Review status: criteria provided, single submitter. Criteria: Invitae Variant Classification Sherloc (09022015). Collection method: clinical testing. Allele origin: germline.
Comment: This sequence change falls in intron 15 of the CTNNA1 gene. It does not directly change the encoded amino acid sequence of the CTNNA1 protein. This variant is not present in population databases (gnomAD no frequency). This variant has not been reported in the literature in individuals affected with CTNNA1-related conditions. ClinVar contains an entry for this variant (Variation ID: 665400). Algorithms developed to predict the effect of sequence changes on RNA splicing suggest that this variant may disrupt the consensus splice site. In summary, the available evidence is currently insufficient to determine the role of this variant in disease. Therefore, it has been classified as a Variant of Uncertain Significance.